The following is an entry in ClinVar:

NM_001329943.3(KIAA0586):c.4321C>T (p.Gln1441Ter)

Gene: KIAA0586 (KIAA0586; plus strand). Cytogenetic location: 14q23.1.
Variant type: single nucleotide variant.
Coding change: c.4321C>T on transcript NM_001329943.3 (MANE Select); coding-DNA position 4321, C replaced by T.
Protein change: p.Gln1441Ter; replaces glutamine 1441 with a stop codon.
Molecular consequence: nonsense.
Genome position (GRCh38, 1-based): chr14:58,508,707, C>T. VCF-style: chr14-58508707-C-T. GRCh37 (hg19) VCF-style: chr14-58975425-C-T.
Other names: c.4480C>T, p.Gln1494Ter (NM_001244189.2); c.4276C>T, p.Gln1426Ter (NM_001244190.2); c.4066C>T, p.Gln1356Ter (NM_001244191.2, NM_001329945.2, NM_001364700.1 and 1 more transcripts); c.4189C>T, p.Gln1397Ter (NM_001244192.2, NM_001329947.2); c.3901C>T, p.Gln1301Ter (NM_001244193.2); c.4321C>T, p.Gln1441Ter (NM_001329944.2, NM_001329946.2); c.4093C>T, p.Gln1365Ter (NM_014749.5); short protein forms Q1441*, Q1365*, Q1397*, Q1494*, Q1356*, Q1301*, Q1426*.
Identifiers: ClinVar variation 2019342 (VCV002019342.4), dbSNP rs2544096591, ClinGen allele CA390057998.
Genomic context (GRCh38, chr14:58,508,707, plus strand): 5'-ACACTTCTGACAGCACAAGAAAATGATGTTAATTTACCAGTAGCCGCTGAAGATTTTTCC[C>T]AGGTACCAAATTAATAGCACTTGTATTTTACTTAAAATGAGAATTGAAACACTGTTGCCT-3'

ClinVar aggregate classification (germline): Pathogenic (1 of 4 stars; one submission).

Conditions:
Joubert syndrome 23 (JBTS23). Identifiers: Orphanet 475, MedGen C4084822, MONDO:0014664, OMIM 616490.
Short-rib thoracic dysplasia 14 with polydactyly (SRTD14). Identifiers: Orphanet 397715, MedGen C4225286, MONDO:0014688, OMIM 616546.

Submission:

Labcorp Genetics (formerly Invitae), Labcorp
Classification: Pathogenic for Joubert syndrome 23; Short-rib thoracic dysplasia 14 with polydactyly. Last evaluated: 2022-07-23. Review status: criteria provided, single submitter. Criteria: Invitae Variant Classification Sherloc (09022015). Collection method: clinical testing. Allele origin: germline.
Comment: This sequence change creates a premature translational stop signal (p.Gln1494*) in the KIAA0586 gene. It is expected to result in an absent or disrupted protein product. Loss-of-function variants in KIAA0586 are known to be pathogenic (PMID: 26096313, 26166481, 26386044). For these reasons, this variant has been classified as Pathogenic. Algorithms developed to predict the effect of sequence changes on RNA splicing suggest that this variant may disrupt the consensus splice site. This variant has not been reported in the literature in individuals affected with KIAA0586-related conditions. This variant is not present in population databases (gnomAD no frequency).

Literature cited by the submitters: PubMed 26096313; PubMed 26166481; PubMed 26386044.